The following is an entry in ClinVar:

ClinVar aggregate classification (germline): Likely benign (0 of 4 stars; one submission).

Conditions:
ATP2A3-related disorder. Also called: ATP2A3-related condition.

Allele frequency attached by ClinVar (database versions not stated): gnomAD 0.00001; gnomAD exomes 0.00001; TOPMed 0.00001; ExAC 0.00003; 1000 Genomes Project 0.00020; 1000 Genomes Project 30x 0.00031.
gnomAD v4.1: 22 of 1,613,458 alleles (0.0014%); highest among the groups gnomAD compares: African/African-American, 0.0067%; no homozygotes.

Submission:

PreventionGenetics, part of Exact Sciences
Classification: Likely benign for ATP2A3-related condition. Last evaluated: 2019-04-25. Review status: no assertion criteria provided. Collection method: clinical testing. Allele origin: germline.
Comment: This variant is classified as likely benign based on ACMG/AMP sequence variant interpretation guidelines (Richards et al. 2015 PMID: 25741868, with internal and published modifications).

NM_005173.4(ATP2A3):c.2529C>T (p.Tyr843=)

Gene: ATP2A3 (ATPase sarcoplasmic/endoplasmic reticulum Ca2+ transporting 3; minus strand). Cytogenetic location: 17p13.2.
Variant type: single nucleotide variant.
Coding change: c.2529C>T on transcript NM_005173.4 (MANE Select); coding-DNA position 2529, C replaced by T.
Protein change: p.Tyr843=; no amino-acid change (tyrosine 843 retained).
Molecular consequence: synonymous variant.
Genome position (GRCh38, 1-based): chr17:3,935,273, G>A on the plus strand (C>T on the coding strand, the complement: ATP2A3 is on the minus strand). VCF-style: chr17-3935273-G-A. GRCh37 (hg19) VCF-style: chr17-3838567-G-A.
Other names: c.2529C>T, p.Tyr843= (NM_174953.3, NM_174954.3, NM_174955.3 and 3 more transcripts).
Identifiers: ClinVar variation 3057878 (VCV003057878.2), dbSNP rs201977487, ClinGen allele CA8296835.